The following is an entry in ClinVar:

ClinVar aggregate classification (germline): Uncertain significance (1 of 4 stars; one submission).

Submission:

GeneDx
Classification: Uncertain significance. Last evaluated: 2024-01-04. Review status: criteria provided, single submitter. Criteria: GeneDx Variant Classification Process June 2021. Collection method: clinical testing. Allele origin: germline. Affected: yes.
Comment: Has not been previously published as pathogenic or benign to our knowledge; Not observed at significant frequency in large population cohorts (gnomAD); In-frame deletion of 2 amino acids in a non-repeat region; In silico analysis supports a deleterious effect on protein structure/function

NM_144573.4(NEXN):c.1480GATGTT[1] (p.494DV[1])

Gene: NEXN (nexilin F-actin binding protein; plus strand). Cytogenetic location: 1p31.1.
Variant type: Microsatellite.
Coding change: c.1480GATGTT[1] on transcript NM_144573.4 (MANE Select); one copy of the 6-base unit GATGTT starting at c.1480; the reference has two copies in a row; one copy, 6 bases deleted; also written c.1486_1491del.
Protein change: p.494DV[1].
Molecular consequence: inframe deletion. On other transcripts: inframe indel (2).
Genome position (GRCh38, 1-based): chr1:77,942,035-77,942,040, GATGTT deleted; deleting any 6 consecutive bases within chr1:77,942,028-77,942,040 gives the same sequence; the position shown is the placement nearest the transcript's 3' end. VCF-style (leftmost placement, unchanged base first): chr1-77942027-ATGATGT-A. GRCh37 (hg19) VCF-style: chr1-78407712-ATGATGT-A.
Other names: c.1288GATGTT[1], p.430DV[1] (NM_001172309.2); c.1480_1485GATGTT[1], p.Asp496_Val497del (NM_144573.3); c.1486_1491del (NM_144573.3).
Identifiers: ClinVar variation 3367395 (VCV003367395.1).